The following is an entry in ClinVar:

NM_030662.4(MAP2K2):c.225C>T (p.Ile75=)

Gene: MAP2K2 (mitogen-activated protein kinase kinase 2; minus strand). Cytogenetic location: 19p13.3.
Variant type: single nucleotide variant.
Coding change: c.225C>T on transcript NM_030662.4 (MANE Select); coding-DNA position 225, C replaced by T.
Protein change: p.Ile75=; no amino-acid change (isoleucine 75 retained).
Molecular consequence: synonymous variant.
Genome position (GRCh38, 1-based): chr19:4,117,497, G>A on the plus strand (C>T on the coding strand, the complement: MAP2K2 is on the minus strand). VCF-style: chr19-4117497-G-A. GRCh37 (hg19) VCF-style: chr19-4117495-G-A.
Other names: NM_030662.3(MAP2K2):c.225C>T.
Identifiers: ClinVar variation 448952 (VCV000448952.33), dbSNP rs561400866, ClinGen allele CA9091075.

ClinVar aggregate classification (germline): Benign. Review status: reviewed by expert panel (3 of 4 stars). 7 submissions from 7 submitters: Benign (1). 6 of the submissions do not count toward it. Last evaluated 2017-05-09.

Conditions:
MAP2K2-related disorder. Also called: MAP2K2-related condition.
Cardiovascular phenotype. Identifiers: MedGen CN230736.
RASopathy. Also called: Noonan spectrum disorder; rasopathies. Identifiers: Orphanet 536391, MedGen C5555857, MONDO:0021060.

Allele frequency attached by ClinVar (database versions not stated): gnomAD below 0.00001 and 0.00003; TOPMed below 0.00001; gnomAD exomes 0.00009 and 0.00018; 1000 Genomes Project 30x 0.00016; ExAC 0.00017; 1000 Genomes Project 0.00020.
gnomAD v4.1: 144 of 1,614,174 alleles (0.0089%); highest among the groups gnomAD compares: South Asian, 0.14%; no homozygotes.

Submissions (7):

ClinGen RASopathy Variant Curation Expert Panel
Classification: Benign for Noonan syndrome and Noonan-related syndrome. Last evaluated: 2017-05-09. Review status: reviewed by expert panel. Criteria: ClinGen RASopathy ACMG Specifications v1. Collection method: curation. Allele origin: germline. Inheritance: Autosomal dominant inheritance.
Comment: The filtering allele frequency of the c.225C>T (p.Ile75=) variant in the MAP2K2 gene is 0.08% (20/16508) of South Asian chromosomes by the Exome Aggregation Consortium, which is a high enough frequency to be classified as benign based on thresholds defined by the ClinGen RASopathy Expert Panel (BA1; PMID:29493581)

Labcorp Genetics (formerly Invitae), Labcorp
Classification: Benign for RASopathy. Last evaluated: 2025-11-10. Review status: criteria provided, single submitter. Criteria: Invitae Variant Classification Sherloc (09022015). Collection method: clinical testing. Allele origin: germline. Not counted in ClinVar's aggregate classification.

CeGaT Center for Human Genetics Tuebingen
Classification: Likely benign. Last evaluated: 2024-06-01. Review status: criteria provided, single submitter. Criteria: CeGaT Center For Human Genetics Tuebingen Variant Classification Criteria Version 2. Collection method: clinical testing. Allele origin: germline. Affected: yes. Observed: 1 variant allele. Not counted in ClinVar's aggregate classification.
Comment: MAP2K2: BP4, BP7, BS1

Blueprint Genetics
Classification: Likely benign. Last evaluated: 2024-04-09. Review status: criteria provided, single submitter. Criteria: ACMG Guidelines, 2015. Collection method: clinical testing. Allele origin: germline. Not counted in ClinVar's aggregate classification.

Women's Health and Genetics/Laboratory Corporation of America, LabCorp
Classification: Benign. Last evaluated: 2023-09-25. Review status: criteria provided, single submitter. Criteria: LabCorp Variant Classification Summary - May 2015. Collection method: clinical testing. Allele origin: germline. Not counted in ClinVar's aggregate classification.

Ambry Genetics
Classification: Likely benign for Cardiovascular phenotype. Last evaluated: 2020-07-12. Review status: criteria provided, single submitter. Criteria: Ambry Variant Classification Scheme 2023. Collection method: clinical testing. Allele origin: germline. Not counted in ClinVar's aggregate classification.

PreventionGenetics, part of Exact Sciences
Classification: Likely benign for MAP2K2-related condition. Last evaluated: 2024-07-16. Review status: no assertion criteria provided. Collection method: clinical testing. Allele origin: germline. Not counted in ClinVar's aggregate classification.
Comment: This variant is classified as likely benign based on ACMG/AMP sequence variant interpretation guidelines (Richards et al. 2015 PMID: 25741868, with internal and published modifications).